The following is an entry in ClinVar:

NM_001387430.1(SH2B1):c.1602G>T (p.Arg534=)

Gene: SH2B1 (SH2B adaptor protein 1; plus strand). Cytogenetic location: 16p11.2.
Variant type: single nucleotide variant.
Coding change: c.1602G>T on transcript NM_001387430.1 (MANE Select); coding-DNA position 1602, G replaced by T.
Protein change: p.Arg534=; no amino-acid change (arginine 534 retained).
Molecular consequence: synonymous variant.
Genome position (GRCh38, 1-based): chr16:28,872,278, G>T. VCF-style: chr16-28872278-G-T. GRCh37 (hg19) VCF-style: chr16-28883599-G-T.
Other names: c.1602G>T, p.Arg534= (NM_001145795.2, NM_001145796.2, NM_001145797.2 and 4 more transcripts); c.594G>T, p.Arg198= (NM_001308294.2).
Identifiers: ClinVar variation 3348643 (VCV003348643.1).
Genomic context (GRCh38, chr16:28,872,278, plus strand): 5'-GGGCGGTGAGGGGGACCAGCCCCTCTCAGGGTATCCTTGGTTCCACGGGATGCTCTCTCG[G>T]CTCAAGGCTGCACAGTTGGTGCTGACTGGCGGCACTGGCTCCCACGGTGTCTTCCTGGTG-3'
Protein context (NP_001374359.1, residues 524-544): GYPWFHGMLS[Arg534=]LKAAQLVLTG

ClinVar aggregate classification (germline): Uncertain significance (0 of 4 stars; one submission).

Conditions:
SH2B1-related disorder. Also called: SH2B1-related condition.

gnomAD v4.1: 6 of 1,613,964 alleles (0.00037%); highest among the groups gnomAD compares: Non-Finnish European, 0.00042%; no homozygotes.

Submission:

PreventionGenetics, part of Exact Sciences
Classification: Uncertain significance for SH2B1-related condition. Last evaluated: 2024-01-05. Review status: no assertion criteria provided. Collection method: clinical testing. Allele origin: germline.
Comment: The SH2B1 c.1602G>T variant is not predicted to result in an amino acid change (p.=). This variant is predicted to alter splicing based on available splicing prediction programs (SpliceAI, Jaganathan et al. 2019. PubMed ID: 30661751). However, the use of computer prediction programs is not equivalent to functional evidence. To our knowledge, this variant has not been reported in the literature. This variant is reported in 0.0018% of alleles in individuals of European (Non-Finnish) descent in gnomAD. At this time, the clinical significance of this variant is uncertain due to the absence of conclusive functional and genetic evidence.